The following is an entry in ClinVar:

ClinVar aggregate classification (germline): Benign/Likely benign. Review status: criteria provided, multiple submitters, no conflicts (2 of 4 stars). 5 submissions from 5 submitters: Benign (1); Likely benign (4). Last evaluated 2025-02-27.

Conditions:
Familial hypercholesterolemia. Also called: Familial hypercholesterolemias; Familial hypercholesterolaemia. Identifiers: MedGen C0020445, MONDO:0005439.
Hypercholesterolemia, autosomal dominant, 3 (FHCL3). Also called: Familial Hypercholesterolemia, Autosomal Dominant, 3; PCSK9-Related Familial Hypercholesterolemia, Autosomal Dominant; Familial hypercholesterolemia 3. Identifiers: MedGen C1863551, MONDO:0011369, OMIM 603776.
Cardiovascular phenotype. Identifiers: MedGen CN230736.

Allele frequency attached by ClinVar (database versions not stated): gnomAD 0.00003 and 0.00004; TOPMed 0.00006.
gnomAD v4.1: 39 of 1,613,472 alleles (0.0024%); highest among the groups gnomAD compares: South Asian, 0.0055%; no homozygotes.

Submissions (5):

Labcorp Genetics (formerly Invitae), Labcorp
Classification: Likely benign for Hypercholesterolemia, autosomal dominant, 3. Last evaluated: 2025-02-27. Review status: criteria provided, single submitter. Criteria: Invitae Variant Classification Sherloc (09022015). Collection method: clinical testing. Allele origin: germline.

Blueprint Genetics
Classification: Benign. Last evaluated: 2023-11-28. Review status: criteria provided, single submitter. Criteria: ACMG Guidelines, 2015. Collection method: clinical testing. Allele origin: germline.

All of Us Research Program, National Institutes of Health
Classification: Likely benign for Hypercholesterolemia, autosomal dominant, 3. Last evaluated: 2023-11-20. Review status: criteria provided, single submitter. Criteria: ACMG Guidelines, 2015. Collection method: clinical testing. Allele origin: germline. Inheritance: Autosomal dominant inheritance. Observed: 8 variant alleles, 8 heterozygotes.
Comment: This study involves interpretation of variants in research participants for the purpose of population health screening. Participant phenotype was not available at the time of variant classification. Additional details can be found in publication PMID: 35346344, PMCID: PMC8962531

Ambry Genetics
Classification: Likely benign for Cardiovascular phenotype. Last evaluated: 2022-07-25. Review status: criteria provided, single submitter. Criteria: Ambry Variant Classification Scheme 2023. Collection method: clinical testing. Allele origin: germline.

Color Diagnostics, LLC DBA Color Health
Classification: Likely benign for Familial hypercholesterolemias. Last evaluated: 2017-11-23. Review status: criteria provided, single submitter. Criteria: ACMG Guidelines, 2015. Collection method: clinical testing. Allele origin: germline.

NM_174936.4(PCSK9):c.2013C>T (p.Ala671=)

Gene: PCSK9 (proprotein convertase subtilisin/kexin type 9; plus strand). Cytogenetic location: 1p32.3.
Variant type: single nucleotide variant.
Coding change: c.2013C>T on transcript NM_174936.4 (MANE Select); coding-DNA position 2013, C replaced by T.
Protein change: p.Ala671=; no amino-acid change (alanine 671 retained).
Molecular consequence: synonymous variant. On other transcripts: non-coding transcript variant (8).
Genome position (GRCh38, 1-based): chr1:55,063,518, C>T. VCF-style: chr1-55063518-C-T. GRCh37 (hg19) VCF-style: chr1-55529191-C-T.
Other names: c.2136C>T, p.Ala712= (NM_001407240.1); c.2055C>T, p.Ala685= (NM_001407241.1); c.2016C>T, p.Ala672= (NM_001407242.1); c.1956C>T, p.Ala652= (NM_001407243.1); c.1839C>T, p.Ala613= (NM_001407244.1); c.1821C>T, p.Ala607= (NM_001407245.1); c.1638C>T, p.Ala546= (NM_001407246.1); c.1512C>T, p.Ala504= (NM_001407247.1).
Identifiers: ClinVar variation 536207 (VCV000536207.17), dbSNP rs761714505, ClinGen allele CA040289.
Genomic context (GRCh38, chr1:55,063,518, plus strand): 5'-CAACACGTGTGTAGTCAGGAGCCGGGACGTCAGCACTACAGGCAGCACCAGCGAAGGGGC[C>T]GTGACAGCCGTTGCCATCTGCTGCCGGAGCCGGCACCTGGCGCAGGCCTCCCAGGAGCTC-3'
Protein context (NP_777596.2, residues 661-681): VSTTGSTSEG[Ala671=]VTAVAICCRS